The following is an entry in ClinVar:

NM_001378183.1(PIEZO2):c.3072G>T (p.Leu1024Phe)

Gene: PIEZO2 (piezo type mechanosensitive ion channel component 2; minus strand). Cytogenetic location: 18p11.22.
Variant type: single nucleotide variant.
Coding change: c.3072G>T on transcript NM_001378183.1 (MANE Select); coding-DNA position 3072, G replaced by T.
Protein change: p.Leu1024Phe; replaces leucine 1024 with phenylalanine.
Molecular consequence: missense variant.
Genome position (GRCh38, 1-based): chr18:10,762,973, C>A on the plus strand (G>T on the coding strand, the complement: PIEZO2 is on the minus strand). VCF-style: chr18-10762973-C-A. GRCh37 (hg19) VCF-style: chr18-10762971-C-A.
Other names: c.3072G>T, p.Leu1024Phe (NM_001410871.1); c.2997G>T, p.Leu999Phe (NM_022068.4); short protein forms L1024F, L999F.
Identifiers: ClinVar variation 3907765 (VCV003907765.1).
Genomic context (GRCh38, chr18:10,762,973, plus strand): 5'-GAGGCTCACCAAGGAACAGTTAACAGAGAAGTTCTCAGGCTTAATGGTTTGGAGCTGGTA[C>A]AACATTTTGCAGACGATGATCACACACGTCCAGACTGTGCAGACACTTGAAGCCAGACGG-3'
Protein context (NP_001365112.1, residues 1014-1034): WTCVIIVCKM[Leu1024Phe]YQLQTIKPEN

ClinVar aggregate classification (germline): Uncertain significance (1 of 4 stars; one submission).

gnomAD v4.1: 3 of 1,537,284 alleles (0.0002%); highest among the groups gnomAD compares: South Asian, 0.0024%; no homozygotes.

Submission:

GeneDx
Classification: Uncertain significance. Last evaluated: 2024-12-31. Review status: criteria provided, single submitter. Criteria: GeneDx Variant Classification Process June 2021. Collection method: clinical testing. Allele origin: germline. Affected: yes.
Comment: Not observed at significant frequency in large population cohorts (gnomAD); In silico analysis indicates that this missense variant does not alter protein structure/function; Has not been previously published as pathogenic or benign to our knowledge